The following is an entry in ClinVar:

ClinVar aggregate classification (germline): Benign (1 of 4 stars; one submission).

Allele frequency attached by ClinVar (database versions not stated): gnomAD 0.03205 and 0.03408; TOPMed 0.03625; 1000 Genomes Project 0.04093; 1000 Genomes Project 30x 0.04388.
gnomAD v4.1: 4,829 of 152,248 alleles (3.2%); highest among the groups gnomAD compares: African/African-American, 11%; 260 homozygotes.

Submission:

GeneDx
Classification: Benign. Last evaluated: 2018-06-16. Review status: criteria provided, single submitter. Criteria: GeneDx Variant Classification (06012015). Collection method: clinical testing. Allele origin: germline. Affected: yes.
Comment: This variant is considered likely benign or benign based on one or more of the following criteria: it is a conservative change, it occurs at a poorly conserved position in the protein, it is predicted to be benign by multiple in silico algorithms, and/or has population frequency not consistent with disease.

NM_017775.4(TTC19):c.676+259T>C

Gene: TTC19 (tetratricopeptide repeat domain 19; plus strand). Cytogenetic location: 17p12.
Variant type: single nucleotide variant.
Coding change: c.676+259T>C on transcript NM_017775.4 (MANE Select); 259 bases into the intron after coding-DNA position 676, T replaced by C.
Molecular consequence: intron variant.
Genome position (GRCh38, 1-based): chr17:16,006,827, T>C. VCF-style: chr17-16006827-T-C. GRCh37 (hg19) VCF-style: chr17-15910141-T-C.
Other names: c.355+259T>C (NM_001271420.2).
Identifiers: ClinVar variation 673803 (VCV000673803.1), dbSNP rs58206797, ClinGen allele CA288189135.
Genomic context (GRCh38, chr17:16,006,827, plus strand): 5'-GTTTTTTTTTTAACCCCCTTGGTAACATGGTCATAATTTATTTGTTAACTTTTAGTTACA[T>C]ATAACTTAAGGAAAATTGGGGAGCAGAAGGAGAAGGTGTTTCTCGTATCTCTTAGTTCAG-3'